The following is an entry in ClinVar:

ClinVar aggregate classification (germline): Uncertain significance. Review status: criteria provided, multiple submitters, no conflicts (2 of 4 stars). 3 submissions from 3 submitters: Uncertain significance (3). Last evaluated 2025-07-31.

Conditions:
Glycogen storage disease, type V (GSD5). Also called: MCARDLE DISEASE; MUSCLE GLYCOGEN PHOSPHORYLASE DEFICIENCY; MYOPHOSPHORYLASE DEFICIENCY; PYGM DEFICIENCY; McArdle type glycogen storage disease. Identifiers: Orphanet 368, MedGen C0017924, MONDO:0009293, OMIM 232600.
Inborn genetic diseases. Identifiers: MedGen C0950123, MeSH D030342.

Allele frequency attached by ClinVar (database versions not stated): gnomAD 0.00001; ExAC 0.00002; gnomAD exomes 0.00004.
gnomAD v4.1: 28 of 1,613,974 alleles (0.0017%); highest among the groups gnomAD compares: Middle Eastern, 0.016%; no homozygotes.

Submissions (3):

Ambry Genetics
Classification: Uncertain significance for Inborn genetic diseases. Last evaluated: 2025-07-31. Review status: criteria provided, single submitter. Criteria: Ambry Variant Classification Scheme 2023. Collection method: clinical testing. Allele origin: germline.

Labcorp Genetics (formerly Invitae), Labcorp
Classification: Uncertain significance for Glycogen storage disease, type V. Last evaluated: 2024-05-21. Review status: criteria provided, single submitter. Criteria: Invitae Variant Classification Sherloc (09022015). Collection method: clinical testing. Allele origin: germline.
Comment: This sequence change replaces arginine, which is basic and polar, with cysteine, which is neutral and slightly polar, at codon 185 of the PYGM protein (p.Arg185Cys). This variant is present in population databases (rs749507354, gnomAD 0.02%). This variant has not been reported in the literature in individuals affected with PYGM-related conditions. Advanced modeling of protein sequence and biophysical properties (such as structural, functional, and spatial information, amino acid conservation, physicochemical variation, residue mobility, and thermodynamic stability) has been performed at Invitae for this missense variant, however the output from this modeling did not meet the statistical confidence thresholds required to predict the impact of this variant on PYGM protein function. In summary, the available evidence is currently insufficient to determine the role of this variant in disease. Therefore, it has been classified as a Variant of Uncertain Significance.

Fulgent Genetics
Classification: Uncertain significance for Glycogen storage disease, type V. Last evaluated: 2024-04-23. Review status: criteria provided, single submitter. Criteria: ACMG Guidelines, 2015. Collection method: clinical testing. Allele origin: germline.

NM_005609.4(PYGM):c.553C>T (p.Arg185Cys)

Gene: PYGM (glycogen phosphorylase, muscle associated; minus strand). Cytogenetic location: 11q13.1.
Variant type: single nucleotide variant.
Coding change: c.553C>T on transcript NM_005609.4 (MANE Select); coding-DNA position 553, C replaced by T.
Protein change: p.Arg185Cys; replaces arginine 185 with cysteine.
Molecular consequence: missense variant.
Genome position (GRCh38, 1-based): chr11:64,757,886, G>A on the plus strand (C>T on the coding strand, the complement: PYGM is on the minus strand). VCF-style: chr11-64757886-G-A. GRCh37 (hg19) VCF-style: chr11-64525358-G-A.
Other names: c.289C>T, p.Arg97Cys (NM_001164716.1); c.553C>T (NM_005609.2); short protein forms R185C, R97C.
Identifiers: ClinVar variation 1441548 (VCV001441548.7), dbSNP rs749507354, ClinGen allele CA6080208.